The following is an entry in ClinVar:

NM_001735.3(C5):c.1282G>A (p.Val428Met)

Gene: C5 (complement C5; minus strand). Cytogenetic location: 9q33.2.
Variant type: single nucleotide variant.
Coding change: c.1282G>A on transcript NM_001735.3 (MANE Select); coding-DNA position 1282, G replaced by A.
Protein change: p.Val428Met; replaces valine 428 with methionine.
Molecular consequence: missense variant.
Genome position (GRCh38, 1-based): chr9:121,021,529, C>T on the plus strand (G>A on the coding strand, the complement: C5 is on the minus strand). VCF-style: chr9-121021529-C-T. GRCh37 (hg19) VCF-style: chr9-123783807-C-T.
Other names: c.1300G>A, p.Val434Met (NM_001317163.2); c.1282G>A, p.Val428Met (NM_001317164.2); short protein forms V434M, V428M.
Identifiers: ClinVar variation 1913672 (VCV001913672.4), dbSNP rs1165347998, ClinGen allele CA374752428.
Genomic context (GRCh38, chr9:121,021,529, plus strand): 5'-CACATTGTCCTAGAAAATACAACAGGAGAATTCAGCTCACATTAAACTCCAGCACCGTCA[C>T]TCCAGATGGGAGATTAAGCACAAAGGAAGCTACTCCATCATCAACACGTGTTACACTTTT-3'
Protein context (NP_001726.2, residues 418-438): ASFVLNLPSG[Val428Met]TVLEFNVKTD

ClinVar aggregate classification (germline): Uncertain significance. Review status: criteria provided, multiple submitters, no conflicts (2 of 4 stars). 2 submissions from 2 submitters: Uncertain significance (2). Last evaluated 2025-04-19.

Allele frequency attached by ClinVar (database versions not stated): gnomAD 0.00001; TOPMed 0.00002; gnomAD exomes 0.00003.
gnomAD v4.1: 49 of 1,613,570 alleles (0.003%); highest among the groups gnomAD compares: Non-Finnish European, 0.0041%; no homozygotes.

Submissions (2):

Labcorp Genetics (formerly Invitae), Labcorp
Classification: Uncertain significance. Last evaluated: 2025-04-19. Review status: criteria provided, single submitter. Criteria: Invitae Variant Classification Sherloc (09022015). Collection method: clinical testing. Allele origin: germline.
Comment: This sequence change replaces valine, which is neutral and non-polar, with methionine, which is neutral and non-polar, at codon 428 of the C5 protein (p.Val428Met). This variant is present in population databases (no rsID available, gnomAD 0.004%). This variant has not been reported in the literature in individuals affected with C5-related conditions. ClinVar contains an entry for this variant (Variation ID: 1913672). An algorithm developed to predict the effect of missense changes on protein structure and function (PolyPhen-2) suggests that this variant is likely to be disruptive. In summary, the available evidence is currently insufficient to determine the role of this variant in disease. Therefore, it has been classified as a Variant of Uncertain Significance.

Ambry Genetics
Classification: Uncertain significance. Last evaluated: 2025-02-25. Review status: criteria provided, single submitter. Criteria: Ambry Variant Classification Scheme 2023. Collection method: clinical testing. Allele origin: germline.